The following is an entry in ClinVar:

ClinVar aggregate classification (germline): Pathogenic/Likely pathogenic. Review status: criteria provided, multiple submitters, no conflicts (2 of 4 stars). 7 submissions from 7 submitters: Pathogenic (5); Likely pathogenic (2). Last evaluated 2024-06-26.

Conditions:
Sotos syndrome (SOTOS). Also called: Sotos' syndrome; CHROMOSOME 5q35 DELETION SYNDROME; CEREBRAL GIGANTISM; Distinctive facial appearance, overgrowth in childhood, and learning disabilities or delayed development; SOTOS SYNDROME 1. Identifiers: Orphanet 821, MedGen C0175695, MONDO:0019349, OMIM 117550.
Inborn genetic diseases. Identifiers: MedGen C0950123, MeSH D030342.
NSD1-related disorder. Also called: NSD1-related condition.

Submissions (7):

Pittsburgh Clinical Genomics Laboratory, University of Pittsburgh Medical Center
Classification: Pathogenic for Sotos syndrome. Last evaluated: 2024-06-26. Review status: criteria provided, single submitter. Criteria: ACMG Guidelines, 2015. Collection method: clinical testing. Allele origin: germline. Inheritance: Autosomal dominant inheritance. Affected: yes.
Comment: This sequence variant is a single nucleotide substitution (A>G) at position 5990 of the coding sequence of the NSD1 gene that results in a tyrosine to cysteine amino acid change at residue 1997 of the Nuclear Receptor-Binding SET Domain-Containing Protein 1. Variants in the NSD1 gene have been previously shown to be associated with Sotos syndrome, often de novo, but can be inherited (PMID: 12464997, 12525543). This is a previously reported variant (ClinVar 211738) and has been reported in individuals affected by an NSD1-related disorder (PMID: 21084978, 15942875). This variant is absent in the gnomAD v4.1.0 population database (0 in approximately 1,610,000 alleles). Multiple bioinformatic tools predict that this amino acid change would be damaging, and the Tyr1997 residue at this position is highly conserved across the vertebrate species examined. In vitro functional studies showed the p.Tyr1997Cys mutation results in reduced or abolished enzyme methylation activity (PMID:24412544). Haploinsufficiency in NSD1 is a known mechanism of disease (PMID:11896389 ). Based upon the evidence, we consider this variant to be pathogenic. ACMG Criteria: PM2, PP3, PS2, PS3

Labcorp Genetics (formerly Invitae), Labcorp
Classification: Pathogenic. Last evaluated: 2022-11-15. Review status: criteria provided, single submitter. Criteria: Invitae Variant Classification Sherloc (09022015). Collection method: clinical testing. Allele origin: germline.
Comment: This variant is not present in population databases (gnomAD no frequency). This sequence change replaces tyrosine, which is neutral and polar, with cysteine, which is neutral and slightly polar, at codon 1997 of the NSD1 protein (p.Tyr1997Cys). This missense change has been observed in individual(s) with clinical features of NSD1-related conditions (PMID: 12807965). In at least one individual the variant was observed to be de novo. For these reasons, this variant has been classified as Pathogenic. Advanced modeling of protein sequence and biophysical properties (such as structural, functional, and spatial information, amino acid conservation, physicochemical variation, residue mobility, and thermodynamic stability) performed at Invitae indicates that this missense variant is expected to disrupt NSD1 protein function. ClinVar contains an entry for this variant (Variation ID: 211738). This variant is also known as 5989A/G, Y1996C.

MGZ Medical Genetics Center
Classification: Likely pathogenic for Sotos syndrome. Last evaluated: 2021-12-27. Review status: criteria provided, single submitter. Criteria: ACMG Guidelines, 2015. Collection method: clinical testing. Allele origin: germline. Affected: yes. Observed: 1 variant allele.
Comment: ACMG criteria applied: PM1, PM6, PM2_SUP, PP2, PP3

Blueprint Genetics
Classification: Pathogenic for NSD1-related disorders. Last evaluated: 2019-12-03. Review status: criteria provided, single submitter. Criteria: ACMG Guidelines, 2015. Collection method: clinical testing. Allele origin: de novo. Affected: yes. Observed: 1 variant allele.

Ambry Genetics
Classification: Pathogenic for Inborn genetic diseases. Last evaluated: 2016-09-20. Review status: criteria provided, single submitter. Criteria: Ambry Variant Classification Scheme 2023. Collection method: clinical testing. Allele origin: germline.
Comment: The p.Y1997C pathogenic mutation (also known as c.5990A>G), located in coding exon 18 of the NSD1 gene, results from an A to G substitution at nucleotide position 5990. The tyrosine at codon 1997 is replaced by cysteine, an amino acid with highly dissimilar properties. This mutation was first reported to be de novo in a patient with childhood overgrowth, dysmorphic facial features, and advanced bone age (Rio M et al. J. Med. Genet., 2003 Jun;40:436-40). It has subsequently been reported in multiple individuals with Sotos syndrome phenotypes (Tatton-Brown K et al. Am. J. Hum. Genet., 2005 Aug;77:193-204; Choufani S et al. Nat Commun, 2015 Dec;6:10207). Additionally, in vitro functional studies showed the p.Y1997C mutation results in reduced or abolished enzyme methylation activity (Kudithipudi S et al. Chem. Biol., 2014 Feb;21:226-37). Based on the supporting evidence, p.Y1997C is interpreted as a disease-causing mutation.

Genetic Services Laboratory, University of Chicago
Classification: Pathogenic for Sotos syndrome 1. Last evaluated: 2014-10-17. Review status: criteria provided, single submitter. Criteria: ACMG Guidelines, 2015. Collection method: clinical testing. Allele origin: germline. Affected: yes.

Kasturba Medical College, Manipal, Kasturba Medical College, Manipal, Manipal Academy of Higher Education, Manipal, India
Classification: Likely pathogenic for Sotos syndrome. Review status: criteria provided, single submitter. Criteria: ACMG Guidelines, 2015. Collection method: clinical testing. Allele origin: de novo. Inheritance: Autosomal dominant inheritance. Affected: yes. Observed: 1 variant allele, 1 heterozygote.
Comment: In-silico prediction tools (REVEL, CADD) are consistent in predicting that the variant to be disease-causing and affect protein function. Monoallelic variants in ABCA1 gene are associated with HDL deficiency, familial 1 (MIM#604091).

Literature cited by the submitters: PubMed 24412544 (cited by Pittsburgh Clinical Genomics Laboratory, University of Pittsburgh Medical Center and Ambry Genetics); PubMed 12464997 (cited by Pittsburgh Clinical Genomics Laboratory, University of Pittsburgh Medical Center); PubMed 15942875 (cited by Pittsburgh Clinical Genomics Laboratory, University of Pittsburgh Medical Center and Ambry Genetics); PubMed 11896389 (cited by Pittsburgh Clinical Genomics Laboratory, University of Pittsburgh Medical Center); PubMed 21084978 (cited by Pittsburgh Clinical Genomics Laboratory, University of Pittsburgh Medical Center); PubMed 12525543 (cited by Pittsburgh Clinical Genomics Laboratory, University of Pittsburgh Medical Center); PubMed 12807965 (cited by Labcorp Genetics (formerly Invitae), Labcorp and Ambry Genetics); PubMed 26690673 (cited by Ambry Genetics).

NM_022455.5(NSD1):c.5990A>G (p.Tyr1997Cys)

Gene: NSD1 (nuclear receptor binding SET domain protein 1; plus strand). Cytogenetic location: 5q35.3.
Variant type: single nucleotide variant.
Coding change: c.5990A>G on transcript NM_022455.5 (MANE Select); coding-DNA position 5990, A replaced by G.
Protein change: p.Tyr1997Cys; replaces tyrosine 1997 with cysteine.
Molecular consequence: missense variant.
Genome position (GRCh38, 1-based): chr5:177,282,562, A>G. VCF-style: chr5-177282562-A-G. GRCh37 (hg19) VCF-style: chr5-176709563-A-G.
Other names: c.5117A>G, p.Tyr1706Cys (NM_001365684.2, NM_001409308.1, NM_001409309.1 and 1 more transcripts); c.5990A>G, p.Tyr1997Cys (NM_001409301.1, NM_001409302.1, NM_001409303.1); c.5570A>G, p.Tyr1857Cys (NM_001409304.1); c.5237A>G, p.Tyr1746Cys (NM_001409305.1); c.5228A>G, p.Tyr1743Cys (NM_001409306.1, NM_001409307.1); short protein forms Y1997C, Y1728C, Y1706C, Y1743C, Y1746C, Y1857C.
Identifiers: ClinVar variation 211738 (VCV000211738.18), dbSNP rs797045825, ClinGen allele CA319717.